The following is an entry in ClinVar:

ClinVar aggregate classification (germline): Uncertain significance (1 of 4 stars; one submission).

Conditions:
Sandhoff disease. Also called: Beta-hexosaminidase-beta-subunit deficiency; GM2 gangliosidosis, type 2; Total hexosaminidase deficiency; Sandhoff-Jatzkewitz-Pilz disease; GM2-GANGLIOSIDOSIS, TYPE II; HEXOSAMINIDASES A AND B DEFICIENCY. Identifiers: Orphanet 796, MedGen C0036161, MONDO:0010006, OMIM 268800.

Allele frequency attached by ClinVar (database versions not stated): gnomAD 0.00001; gnomAD exomes 0.00001; ExAC 0.00003.

Submission:

Labcorp Genetics (formerly Invitae), Labcorp
Classification: Uncertain significance for Sandhoff disease. Last evaluated: 2022-06-01. Review status: criteria provided, single submitter. Criteria: Invitae Variant Classification Sherloc (09022015). Collection method: clinical testing. Allele origin: germline.
Comment: This sequence change replaces asparagine, which is neutral and polar, with serine, which is neutral and polar, at codon 163 of the HEXB protein (p.Asn163Ser). This variant is present in population databases (rs755967220, gnomAD 0.004%). This variant has not been reported in the literature in individuals affected with HEXB-related conditions. Advanced modeling of protein sequence and biophysical properties (such as structural, functional, and spatial information, amino acid conservation, physicochemical variation, residue mobility, and thermodynamic stability) performed at Invitae indicates that this missense variant is not expected to disrupt HEXB protein function. In summary, the available evidence is currently insufficient to determine the role of this variant in disease. Therefore, it has been classified as a Variant of Uncertain Significance.

NM_000521.4(HEXB):c.488A>G (p.Asn163Ser)

Gene: HEXB (hexosaminidase subunit beta; plus strand). Cytogenetic location: 5q13.3.
Variant type: single nucleotide variant.
Coding change: c.488A>G on transcript NM_000521.4 (MANE Select); coding-DNA position 488, A replaced by G.
Protein change: p.Asn163Ser; replaces asparagine 163 with serine.
Molecular consequence: missense variant. On other transcripts: 5 prime UTR variant (1).
Genome position (GRCh38, 1-based): chr5:74,693,681, A>G. VCF-style: chr5-74693681-A-G. GRCh37 (hg19) VCF-style: chr5-73989506-A-G.
Other names: c.-188A>G (NM_001292004.2); short protein forms N163S.
Identifiers: ClinVar variation 2167782 (VCV002167782.1), dbSNP rs755967220, ClinGen allele CA3305848.
Genomic context (GRCh38, chr5:74,693,681, plus strand): 5'-TTTAAATCCTCAATACAGATACTTTACTTGTGAAAGAACCAGTGGCTGTCCTTAAGGCCA[A>G]CAGAGTTTGGGGAGCATTACGAGGTAAGTTCCATGCAGTTTCATTGTTACTTTCCAGTAA-3'
Protein context (NP_000512.2, residues 153-173): VKEPVAVLKA[Asn163Ser]RVWGALRGLE